The following is an entry in ClinVar:

ClinVar aggregate classification (germline): Uncertain significance (1 of 4 stars; one submission).

Conditions:
Hypertrophic cardiomyopathy. Also called: HYPERTROPHIC MYOCARDIOPATHY. Identifiers: Orphanet 217569, MedGen C0007194, MeSH D002312, MONDO:0005045, HP:0001639.

Submission:

Labcorp Genetics (formerly Invitae), Labcorp
Classification: Uncertain significance for Hypertrophic cardiomyopathy. Last evaluated: 2023-09-04. Review status: criteria provided, single submitter. Criteria: Invitae Variant Classification Sherloc (09022015). Collection method: clinical testing. Allele origin: germline.
Comment: Information on the frequency of this variant in the gnomAD database is not available, as this variant may be reported differently in the database. In summary, the available evidence is currently insufficient to determine the role of this variant in disease. Therefore, it has been classified as a Variant of Uncertain Significance. Experimental studies and prediction algorithms are not available or were not evaluated, and the functional significance of this variant is currently unknown. This variant has not been reported in the literature in individuals affected with JPH2-related conditions. This sequence change replaces tyrosine, which is neutral and polar, with histidine, which is basic and polar, at codon 326 of the JPH2 protein (p.Tyr326His).

NM_020433.5(JPH2):c.975_976delinsAC (p.Tyr326His)

Gene: JPH2 (junctophilin 2; minus strand). Cytogenetic location: 20q13.12.
Variant type: Indel.
Coding change: c.975_976delinsAC on transcript NM_020433.5 (MANE Select); coding-DNA positions 975 to 976, CT replaced by AC.
Protein change: p.Tyr326His; replaces tyrosine 326 with histidine.
Molecular consequence: missense variant.
Genome position (GRCh38, 1-based): chr20:44,159,811-44,159,812, AG replaced by GT on the plus strand (CT replaced by AC on the coding strand, the reverse complement: JPH2 is on the minus strand). VCF-style: chr20-44159811-AG-GT. GRCh37 (hg19) VCF-style: chr20-42788451-AG-GT.
Other names: short protein forms Y326H.
Identifiers: ClinVar variation 2868633 (VCV002868633.3), dbSNP rs2515744368, ClinGen allele CA2739277166.